The following is an entry in ClinVar:

NM_030957.4(ADAMTS10):c.2403+1G>A

Gene: ADAMTS10 (ADAM metallopeptidase with thrombospondin type 1 motif 10; minus strand). Cytogenetic location: 19p13.2.
Variant type: single nucleotide variant.
Coding change: c.2403+1G>A on transcript NM_030957.4 (MANE Select); the canonical splice donor site of the intron after coding-DNA position 2403, G replaced by A.
Molecular consequence: splice donor variant.
Genome position (GRCh38, 1-based): chr19:8,586,557, C>T on the plus strand (G>A on the coding strand, the complement: ADAMTS10 is on the minus strand). VCF-style: chr19-8586557-C-T. GRCh37 (hg19) VCF-style: chr19-8651441-C-T.
Other names: c.864+1G>A (NM_001282352.2).
Identifiers: ClinVar variation 4718118 (VCV004718118.1).

ClinVar aggregate classification (germline): Likely pathogenic (1 of 4 stars; one submission).

Submission:

Labcorp Genetics (formerly Invitae), Labcorp
Classification: Likely pathogenic. Last evaluated: 2025-04-22. Review status: criteria provided, single submitter. Criteria: Invitae Variant Classification Sherloc (09022015). Collection method: clinical testing. Allele origin: germline.
Comment: This sequence change affects a donor splice site in intron 20 of the ADAMTS10 gene. It is expected to disrupt RNA splicing. Variants that disrupt the donor or acceptor splice site typically lead to a loss of protein function (PMID: 16199547), and loss-of-function variants in ADAMTS10 are known to be pathogenic (PMID: 15368195, 18567016). This variant is not present in population databases (gnomAD no frequency). This variant has not been reported in the literature in individuals affected with ADAMTS10-related conditions. Algorithms developed to predict the effect of sequence changes on RNA splicing suggest that this variant may disrupt the consensus splice site. In summary, the currently available evidence indicates that the variant is pathogenic, but additional data are needed to prove that conclusively. Therefore, this variant has been classified as Likely Pathogenic.

Literature cited by the submitters: PubMed 16199547; PubMed 15368195; PubMed 18567016.